The following is an entry in ClinVar:

NM_033028.5(BBS4):c.696C>A (p.Asp232Glu)

Gene: BBS4 (Bardet-Biedl syndrome 4; plus strand). Cytogenetic location: 15q24.1.
Variant type: single nucleotide variant.
Coding change: c.696C>A on transcript NM_033028.5 (MANE Select); coding-DNA position 696, C replaced by A.
Protein change: p.Asp232Glu; replaces aspartic acid 232 with glutamic acid.
Molecular consequence: missense variant. On other transcripts: non-coding transcript variant (2), intron variant (1).
Genome position (GRCh38, 1-based): chr15:72,729,669, C>A. VCF-style: chr15-72729669-C-A. GRCh37 (hg19) VCF-style: chr15-73022010-C-A.
Other names: c.180C>A, p.Asp60Glu (NM_001252678.2); c.643-1636C>A (NM_001320665.2); c.696C>A (NM_033028.4); short protein forms D60E, D232E.
Identifiers: ClinVar variation 4925754 (VCV004925754.2).

ClinVar aggregate classification (germline): Uncertain significance. Review status: criteria provided, multiple submitters, no conflicts (2 of 4 stars). 2 submissions from 2 submitters: Uncertain significance (2). Last evaluated 2026-03-04.

Conditions:
BBS4-related disorder. Also called: BBS4-related condition.

gnomAD v4.1: 1 of 1,614,050 alleles (0.000062%); highest among the groups gnomAD compares: East Asian, 0.0022%; no homozygotes.

Submissions (2):

PreventionGenetics, part of Exact Sciences
Classification: Uncertain significance for BBS4-related condition. Last evaluated: 2026-03-04. Review status: criteria provided, single submitter. Criteria: ACMG Guidelines, 2015. Collection method: clinical testing. Allele origin: germline.
Comment: The BBS4 c.696C>A variant is predicted to result in the amino acid substitution p.Asp232Glu. To our knowledge, this variant has not been reported in the literature. This variant is reported in 0.011% of alleles in individuals of East Asian descent in gnomAD. At this time, the clinical significance of this variant is uncertain due to the absence of conclusive functional and genetic evidence.

Blueprint Genetics
Classification: Uncertain significance. Last evaluated: 2021-12-03. Review status: criteria provided, single submitter. Criteria: ACMG Guidelines, 2015. Collection method: clinical testing. Allele origin: germline.